The following is an entry in ClinVar:

ClinVar aggregate classification (germline): Uncertain significance (1 of 4 stars; one submission).

Conditions:
Schimke immuno-osseous dysplasia (SIOD). Also called: Schimke Immunoosseous Dysplasia. Identifiers: Orphanet 1830, MedGen C0877024, MONDO:0009458, OMIM 242900.

gnomAD v4.1: 1 of 1,614,216 alleles (0.000062%); no homozygotes.

Submission:

Labcorp Genetics (formerly Invitae), Labcorp
Classification: Uncertain significance for Schimke immuno-osseous dysplasia. Last evaluated: 2022-06-16. Review status: criteria provided, single submitter. Criteria: Invitae Variant Classification Sherloc (09022015). Collection method: clinical testing. Allele origin: germline.
Comment: This sequence change replaces proline, which is neutral and non-polar, with serine, which is neutral and polar, at codon 124 of the SMARCAL1 protein (p.Pro124Ser). This variant is not present in population databases (gnomAD no frequency). This variant has not been reported in the literature in individuals affected with SMARCAL1-related conditions. Algorithms developed to predict the effect of missense changes on protein structure and function are either unavailable or do not agree on the potential impact of this missense change (SIFT: "Tolerated"; PolyPhen-2: "Possibly Damaging"; Align-GVGD: "Class C0"). In summary, the available evidence is currently insufficient to determine the role of this variant in disease. Therefore, it has been classified as a Variant of Uncertain Significance.

NM_014140.4(SMARCAL1):c.370C>T (p.Pro124Ser)

Gene: SMARCAL1 (SNF2 related chromatin remodeling annealing helicase 1; plus strand). Cytogenetic location: 2q35.
Variant type: single nucleotide variant.
Coding change: c.370C>T on transcript NM_014140.4 (MANE Select); coding-DNA position 370, C replaced by T.
Protein change: p.Pro124Ser; replaces proline 124 with serine.
Molecular consequence: missense variant.
Genome position (GRCh38, 1-based): chr2:216,415,074, C>T. VCF-style: chr2-216415074-C-T. GRCh37 (hg19) VCF-style: chr2-217279797-C-T.
Other names: c.370C>T, p.Pro124Ser (NM_001127207.2); short protein forms P124S.
Identifiers: ClinVar variation 1940003 (VCV001940003.2), dbSNP rs1559120849, ClinGen allele CA350497152.